The following is an entry in ClinVar:

NM_001044385.3(TMEM237):c.395+4G>A

Gene: TMEM237 (transmembrane protein 237; minus strand). Cytogenetic location: 2q33.1.
Variant type: single nucleotide variant.
Coding change: c.395+4G>A on transcript NM_001044385.3 (MANE Select); 4 bases into the intron after coding-DNA position 395, G replaced by A.
Molecular consequence: intron variant.
Genome position (GRCh38, 1-based): chr2:201,633,307, C>T on the plus strand (G>A on the coding strand, the complement: TMEM237 is on the minus strand). VCF-style: chr2-201633307-C-T. GRCh37 (hg19) VCF-style: chr2-202498030-C-T.
Other names: c.371+4G>A (NM_152388.4).
Identifiers: ClinVar variation 4803847 (VCV004803847.1).

ClinVar aggregate classification (germline): Uncertain significance (1 of 4 stars; one submission).

Conditions:
Joubert syndrome 14 (JBTS14). Identifiers: MedGen C3280766, MONDO:0013745, OMIM 614424.

gnomAD v4.1: 9 of 1,595,550 alleles (0.00056%); highest among the groups gnomAD compares: Middle Eastern, 0.017%; no homozygotes.

Submission:

Labcorp Genetics (formerly Invitae), Labcorp
Classification: Uncertain significance for Joubert syndrome 14. Last evaluated: 2025-09-16. Review status: criteria provided, single submitter. Criteria: Invitae Variant Classification Sherloc (09022015). Collection method: clinical testing. Allele origin: germline.
Comment: This sequence change falls in intron 6 of the TMEM237 gene. It does not directly change the encoded amino acid sequence of the TMEM237 protein. It affects a nucleotide within the consensus splice site. This variant is present in population databases (no rsID available, gnomAD 0.003%). This variant has not been reported in the literature in individuals affected with TMEM237-related conditions. Variants that disrupt the consensus splice site are a relatively common cause of aberrant splicing (PMID: 17576681, 9536098). Algorithms developed to predict the effect of sequence changes on RNA splicing suggest that this variant is not likely to affect RNA splicing. In summary, the available evidence is currently insufficient to determine the role of this variant in disease. Therefore, it has been classified as a Variant of Uncertain Significance.

Literature cited by the submitters: PubMed 17576681; PubMed 9536098.